The following is an entry in ClinVar:

NM_006070.6(TFG):c.874G>A (p.Gly292Ser)

Gene: TFG (trafficking from ER to golgi regulator; plus strand). Cytogenetic location: 3q12.2.
Variant type: single nucleotide variant.
Coding change: c.874G>A on transcript NM_006070.6 (MANE Select); coding-DNA position 874, G replaced by A.
Protein change: p.Gly292Ser; replaces glycine 292 with serine.
Molecular consequence: missense variant.
Genome position (GRCh38, 1-based): chr3:100,748,202, G>A. VCF-style: chr3-100748202-G-A. GRCh37 (hg19) VCF-style: chr3-100467046-G-A.
Other names: c.874G>A, p.Gly292Ser (NM_001007565.2, NM_001195478.2); c.862G>A, p.Gly288Ser (NM_001195479.2); short protein forms G288S, G292S.
Identifiers: ClinVar variation 1392604 (VCV001392604.6), dbSNP rs1053918783, ClinGen allele CA79714800.

ClinVar aggregate classification (germline): Uncertain significance (1 of 4 stars; one submission).

Conditions:
Hereditary motor and sensory neuropathy, Okinawa type (HMSNO). Also called: HEREDITARY MOTOR AND SENSORY NEUROPATHY, PROXIMAL TYPE. Identifiers: Orphanet 90117, MedGen C1858338, MONDO:0011468, OMIM 604484.
Hereditary spastic paraplegia 57. Also called: Spastic paraplegia 57, autosomal recessive. Identifiers: Orphanet 431329, MedGen C3714897, MONDO:0014295, OMIM 615658.

Submission:

Labcorp Genetics (formerly Invitae), Labcorp
Classification: Uncertain significance for Hereditary motor and sensory neuropathy, Okinawa type; Hereditary spastic paraplegia 57. Last evaluated: 2024-04-10. Review status: criteria provided, single submitter. Criteria: Invitae Variant Classification Sherloc (09022015). Collection method: clinical testing. Allele origin: germline.
Comment: This sequence change replaces glycine, which is neutral and non-polar, with serine, which is neutral and polar, at codon 292 of the TFG protein (p.Gly292Ser). This variant is not present in population databases (gnomAD no frequency). This variant has not been reported in the literature in individuals affected with TFG-related conditions. ClinVar contains an entry for this variant (Variation ID: 1392604). Advanced modeling of protein sequence and biophysical properties (such as structural, functional, and spatial information, amino acid conservation, physicochemical variation, residue mobility, and thermodynamic stability) performed at Invitae indicates that this missense variant is not expected to disrupt TFG protein function with a negative predictive value of 80%. In summary, the available evidence is currently insufficient to determine the role of this variant in disease. Therefore, it has been classified as a Variant of Uncertain Significance.